The following is an entry in ClinVar:

NM_001267550.2(TTN):c.13706G>A (p.Ser4569Asn)

Gene: TTN (titin; minus strand). Cytogenetic location: 2q31.2.
Variant type: single nucleotide variant.
Coding change: c.13706G>A on transcript NM_001267550.2 (MANE Select); coding-DNA position 13706, G replaced by A.
Protein change: p.Ser4569Asn; replaces serine 4569 with asparagine.
Molecular consequence: missense variant. On other transcripts: intron variant (1).
Genome position (GRCh38, 1-based): chr2:178,739,527, C>T on the plus strand (G>A on the coding strand, the complement: TTN is on the minus strand). VCF-style: chr2-178739527-C-T. GRCh37 (hg19) VCF-style: chr2-179604254-C-T.
Other names: p.S4252N:AGT>AAT; p.Ser4252Asn; c.12755G>A, p.Ser4252Asn (NM_001256850.1); c.12617G>A, p.Ser4206Asn (NM_003319.4); c.12992G>A, p.Ser4331Asn (NM_133432.3); c.13193G>A, p.Ser4398Asn (NM_133437.4); c.10361-1167G>A (NM_133378.4); short protein forms S4569N, S4331N, S4252N, S4206N, S4398N.
Identifiers: ClinVar variation 47839 (VCV000047839.33), dbSNP rs115532048, ClinGen allele CA284572.

ClinVar aggregate classification (germline): Benign/Likely benign. Review status: criteria provided, multiple submitters, no conflicts (2 of 4 stars). 17 submissions from 14 submitters: Benign (12); Likely benign (3). 2 of the submissions do not count toward it. Last evaluated 2026-08-01.

Conditions:
Dilated cardiomyopathy 1G (CMD1G). Identifiers: Orphanet 154, MedGen C1858763, MONDO:0011400, OMIM 604145.
Autosomal recessive limb-girdle muscular dystrophy type 2J (LGMDR10). Also called: MUSCULAR DYSTROPHY, LIMB-GIRDLE, AUTOSOMAL RECESSIVE 10; Limb-girdle muscular dystrophy, type 2J. Identifiers: Orphanet 140922, MedGen C1837342, MONDO:0012127, OMIM 608807.
Cardiovascular phenotype. Identifiers: MedGen CN230736.
Cardiomyopathy (CMYO). Also called: Cardiomyopathies. Identifiers: Orphanet 167848, MedGen C0878544, MONDO:0004994, HP:0001638. Inheritance: Various modes of inheritance.
Early-onset myopathy with fatal cardiomyopathy (CMYO5). Also called: CONGENITAL MYOPATHY 5 WITH CARDIOMYOPATHY; Salih Myopathy. Identifiers: Orphanet 289377, MedGen C2673677, MONDO:0012714, OMIM 611705. Disease mechanism: loss of function.
Tibial muscular dystrophy (TMD). Also called: Udd Distal Myopathy – Tibial Muscular Dystrophy; Tibial muscular dystrophy, tardive; UDD MYOPATHY. Identifiers: Orphanet 609, MedGen C1838244, MONDO:0010870, OMIM 600334.
Myopathy, myofibrillar, 9, with early respiratory failure (MFM9). Also called: Myopathy, distal, with early respiratory failure, autosomal dominant; Hereditary myopathy with early respiratory failure; MYOPATHY, PROXIMAL, WITH EARLY RESPIRATORY MUSCLE INVOLVEMENT; EDSTROM MYOPATHY. Identifiers: Orphanet 178464, Orphanet 34521, MedGen C1863599, MONDO:0011362, OMIM 603689.

Allele frequency attached by ClinVar (database versions not stated): ExAC 0.00115; 1000 Genomes Project 0.00220; gnomAD 0.00405 and 0.00372; gnomAD exomes 0.00098; ESP Exome Variant Server 0.00407; TOPMed 0.00446.
gnomAD v4.1: 1,109 of 1,613,784 alleles (0.069%); highest among the groups gnomAD compares: African/African-American, 1.2%; 5 homozygotes.

Submissions (17):

CeGaT Center for Human Genetics Tuebingen
Classification: Likely benign. Last evaluated: 2026-08-01. Review status: criteria provided, single submitter. Criteria: CeGaT Center For Human Genetics Tuebingen Variant Classification Criteria Version 2. Collection method: clinical testing. Allele origin: germline. Affected: yes. Observed: 2 variant alleles.
Comment: TTN: BP4, BS1

Labcorp Genetics (formerly Invitae), Labcorp
Classification: Benign for Dilated cardiomyopathy 1G; Autosomal recessive limb-girdle muscular dystrophy type 2J. Last evaluated: 2026-02-03. Review status: criteria provided, single submitter. Criteria: Invitae Variant Classification Sherloc (09022015). Collection method: clinical testing. Allele origin: germline.

Molecular Diagnostic Laboratory for Inherited Cardiovascular Disease, Montreal Heart Institute
Classification: Likely benign. Last evaluated: 2025-04-09. Review status: criteria provided, single submitter. Criteria: ACMG Guidelines, 2015. Collection method: clinical testing. Allele origin: germline. Affected: no.

ARUP Laboratories, Molecular Genetics and Genomics, ARUP Laboratories
Classification: Benign. Last evaluated: 2025-04-08. Review status: criteria provided, single submitter. Criteria: ARUP Molecular Germline Variant Investigation Process 2024. Collection method: clinical testing. Allele origin: germline.

Blueprint Genetics
Classification: Likely benign. Last evaluated: 2024-10-07. Review status: criteria provided, single submitter. Criteria: ACMG Guidelines, 2015. Collection method: clinical testing. Allele origin: germline.

Genome-Nilou Lab
Classification: Benign for Autosomal recessive limb-girdle muscular dystrophy type 2J. Last evaluated: 2021-09-10. Review status: criteria provided, single submitter. Criteria: ACMG Guidelines, 2015. Collection method: clinical testing. Allele origin: germline. Affected: no.

Genome-Nilou Lab
Classification: Benign for Myopathy, myofibrillar, 9, with early respiratory failure. Last evaluated: 2021-09-10. Review status: criteria provided, single submitter. Criteria: ACMG Guidelines, 2015. Collection method: clinical testing. Allele origin: germline. Affected: no.

Genome-Nilou Lab
Classification: Benign for Early-onset myopathy with fatal cardiomyopathy. Last evaluated: 2021-09-10. Review status: criteria provided, single submitter. Criteria: ACMG Guidelines, 2015. Collection method: clinical testing. Allele origin: germline. Affected: no.

Genome-Nilou Lab
Classification: Benign for Tibial muscular dystrophy. Last evaluated: 2021-09-10. Review status: criteria provided, single submitter. Criteria: ACMG Guidelines, 2015. Collection method: clinical testing. Allele origin: germline. Affected: no.

Mayo Clinic Laboratories, Mayo Clinic
Classification: Benign. Last evaluated: 2016-04-15. Review status: criteria provided, single submitter. Criteria: ACMG Guidelines, 2015. Collection method: clinical testing. Allele origin: germline. Observed: 8 variant alleles.

CHEO Genetics Diagnostic Laboratory, Children's Hospital of Eastern Ontario
Classification: Benign for Cardiomyopathy. Last evaluated: 2016-04-05. Review status: criteria provided, single submitter. Criteria: ACMG Guidelines, 2015. Collection method: clinical testing. Allele origin: germline. Study: Canadian Open Genetics Repository.

Ambry Genetics
Classification: Benign for Cardiovascular phenotype. Last evaluated: 2016-03-15. Review status: criteria provided, single submitter. Criteria: Ambry Variant Classification Scheme 2023. Collection method: clinical testing. Allele origin: germline.

GeneDx
Classification: Benign. Last evaluated: 2014-09-03. Review status: criteria provided, single submitter. Criteria: GeneDx Variant Classification (06012015). Collection method: clinical testing. Allele origin: germline. Affected: yes.
Comment: This variant is considered likely benign or benign based on one or more of the following criteria: it is a conservative change, it occurs at a poorly conserved position in the protein, it is predicted to be benign by multiple in silico algorithms, and/or has population frequency not consistent with disease.

Biesecker Lab/Clinical Genomics Section, National Institutes of Health
Classification: Benign. Last evaluated: 2013-06-24. Review status: criteria provided, single submitter. Criteria: Ng et al. (Circ Cardiovasc Genet. 2013). Collection method: research. Allele origin: unknown. Observed: 1 variant allele. Study: ClinSeq.
Comment: The study set was not selected for affection status in relation to any cancer. Pathogenicity categories were based on literature curation. See Pubmed ID:23861362 for details.

Medical sequencing

Laboratory for Molecular Medicine, Mass General Brigham Personalized Medicine
Classification: Benign. Last evaluated: 2012-02-07. Review status: criteria provided, single submitter. Criteria: LMM Criteria. Collection method: clinical testing. Allele origin: germline. Observed: 7 variant alleles.

Clinical Genetics DNA and cytogenetics Diagnostics Lab, Erasmus MC, Erasmus Medical Center
Classification: Benign. Review status: no assertion criteria provided. Collection method: clinical testing. Allele origin: germline. Affected: yes. Study: VKGL Data-share Consensus. Not counted in ClinVar's aggregate classification.

Clinical Genetics, Academic Medical Center
Classification: Benign. Review status: no assertion criteria provided. Collection method: clinical testing. Allele origin: germline. Affected: yes. Study: VKGL Data-share Consensus. Not counted in ClinVar's aggregate classification.